The following is an entry in ClinVar:

ClinVar aggregate classification (germline): Benign. Review status: criteria provided, multiple submitters, no conflicts (2 of 4 stars). 4 submissions from 4 submitters: Benign (4). Last evaluated 2021-07-15.

Conditions:
Spermatogenic failure 43. Identifiers: MedGen C5231490, MONDO:0032898, OMIM 618751.

Allele frequency attached by ClinVar (database versions not stated): 1000 Genomes Project 30x 0.49766; 1000 Genomes Project 0.50359; TOPMed 0.52661; gnomAD 0.53280 and 0.53821; ESP Exome Variant Server 0.54201; ExAC 0.59335; gnomAD exomes 0.59812 and 0.63764.
gnomAD v4.1: 1,013,199 of 1,613,546 alleles (63%); highest among the groups gnomAD compares: East Asian, 69%; 325,402 homozygotes.

Submissions (4):

Genome-Nilou Lab
Classification: Benign for Spermatogenic failure 43. Last evaluated: 2021-07-15. Review status: criteria provided, single submitter. Criteria: ACMG Guidelines, 2015. Collection method: clinical testing. Allele origin: germline. Affected: no.

GeneDx
Classification: Benign. Last evaluated: 2021-05-04. Review status: criteria provided, single submitter. Criteria: GeneDx Variant Classification Process June 2021. Collection method: clinical testing. Allele origin: germline. Affected: yes.

Laboratory for Molecular Medicine, Mass General Brigham Personalized Medicine
Classification: Benign. Last evaluated: 2016-03-29. Review status: criteria provided, single submitter. Criteria: LMM Criteria. Collection method: clinical testing. Allele origin: germline.
Comment: Variant identified in a genome or exome case(s) and assessed due to predicted null impact of the variant or pathogenic assertions in the literature or databases. Disclaimer: This variant has not undergone full assessment. The following are preliminary notes: Frequency

Breakthrough Genomics
Classification: Benign. Review status: criteria provided, single submitter. Criteria: ACMG Guidelines, 2015. Collection method: not provided. Allele origin: germline. Inheritance: Autosomal recessive inheritance. Affected: yes.

NM_024867.4(SPEF2):c.3331-11T>C

Gene: SPEF2 (sperm flagellar 2; plus strand). Cytogenetic location: 5p13.2.
Variant type: single nucleotide variant.
Coding change: c.3331-11T>C on transcript NM_024867.4 (MANE Select); 11 bases into the intron before coding-DNA position 3331, T replaced by C.
Molecular consequence: intron variant.
Genome position (GRCh38, 1-based): chr5:35,753,613, T>C. VCF-style: chr5-35753613-T-C. GRCh37 (hg19) VCF-style: chr5-35753715-T-C.
Identifiers: ClinVar variation 403481 (VCV000403481.10), dbSNP rs11957963, ClinGen allele CA3231068.
Genomic context (GRCh38, chr5:35,753,613, plus strand): 5'-AGTTTTATTGCACCTAGGTGATTTGAGCAGCAATCTAAAGCATAGCCACCATGCCTGTTT[T>C]TTCTGTTCAGGATCTGCGAGACCGCCTGTGGGACATTTGTGATGCCCGGAAGGAAGAGGC-3'